The following is an entry in ClinVar:

ClinVar aggregate classification (germline): Benign. Review status: criteria provided, multiple submitters, no conflicts (2 of 4 stars). 3 submissions from 2 submitters: Benign (3). Last evaluated 2018-01-12.

Conditions:
Adult-onset proximal spinal muscular atrophy, autosomal dominant. Also called: FINKEL LATE-ADULT TYPE SMA; Spinal muscular atrophy, late-onset, finkel type. Identifiers: Orphanet 209335, MedGen C1854058, MONDO:0008453, OMIM 182980.
Amyotrophic lateral sclerosis type 8 (ALS8). Identifiers: Orphanet 803, MedGen C1837728, MONDO:0012077, OMIM 608627.

Allele frequency attached by ClinVar (database versions not stated): gnomAD 0.00073 and 0.00078; TOPMed 0.00091; gnomAD exomes 0.00110 and 0.00143; 1000 Genomes Project 0.00160; 1000 Genomes Project 30x 0.00172; ExAC 0.00260.
gnomAD v4.1: 472 of 453,988 alleles (0.1%); highest among the groups gnomAD compares: Middle Eastern, 1.4%; 4 homozygotes.

Submissions (3):

Illumina Laboratory Services, Illumina
Classification: Benign for Amyotrophic lateral sclerosis type 8. Last evaluated: 2018-01-12. Review status: criteria provided, single submitter. Criteria: ICSL Variant Classification Criteria 13 December 2019. Collection method: clinical testing. Allele origin: germline.
Comment: This variant was observed in the ICSL laboratory as part of a predisposition screen in an ostensibly healthy population. It had not been previously curated by ICSL or reported in the Human Gene Mutation Database (HGMD: prior to June 1st, 2018), and was therefore a candidate for classification through an automated scoring system. Utilizing variant allele frequency, disease prevalence and penetrance estimates, and inheritance mode, an automated score was calculated to assess if this variant is too frequent to cause the disease. Based on the score and internal cut-off values, a variant classified as benign is not then subjected to further curation. The score for this variant resulted in a classification of benign for this disease.

Illumina Laboratory Services, Illumina
Classification: Benign for Adult-onset proximal spinal muscular atrophy, autosomal dominant. Last evaluated: 2018-01-12. Review status: criteria provided, single submitter. Criteria: ICSL Variant Classification Criteria 13 December 2019. Collection method: clinical testing. Allele origin: germline.
Comment: the same text as in the submission from Illumina Laboratory Services, Illumina above.

Breakthrough Genomics
Classification: Benign. Review status: criteria provided, single submitter. Criteria: ACMG Guidelines, 2015. Collection method: not provided. Allele origin: germline. Inheritance: Autosomal dominant inheritance. Affected: yes.

NM_004738.5(VAPB):c.*2224C>T

Gene: VAPB (VAMP associated protein B and C; plus strand). Cytogenetic location: 20q13.32.
Variant type: single nucleotide variant.
Coding change: c.*2224C>T on transcript NM_004738.5 (MANE Select); 2224 bases downstream of the stop codon, C replaced by T.
Molecular consequence: 3 prime UTR variant. On other transcripts: non-coding transcript variant (1).
Genome position (GRCh38, 1-based): chr20:58,446,459, C>T. VCF-style: chr20-58446459-C-T. GRCh37 (hg19) VCF-style: chr20-57021515-C-T.
Other names: c.*2294C>T (NM_001195677.2).
Identifiers: ClinVar variation 338958 (VCV000338958.7), dbSNP rs189009703, ClinGen allele CA9924487.